The following is an entry in ClinVar:

NM_003489.4(NRIP1):c.1145A>G (p.His382Arg)

Gene: NRIP1 (nuclear receptor interacting protein 1; minus strand). Cytogenetic location: 21q11.2.
Variant type: single nucleotide variant.
Coding change: c.1145A>G on transcript NM_003489.4 (MANE Select); coding-DNA position 1145, A replaced by G.
Protein change: p.His382Arg; replaces histidine 382 with arginine.
Molecular consequence: missense variant.
Genome position (GRCh38, 1-based): chr21:14,967,048, T>C on the plus strand (A>G on the coding strand, the complement: NRIP1 is on the minus strand). VCF-style: chr21-14967048-T-C. GRCh37 (hg19) VCF-style: chr21-16339369-T-C.
Other names: short protein forms H382R.
Identifiers: ClinVar variation 3679901 (VCV003679901.2).

ClinVar aggregate classification (germline): Uncertain significance (1 of 4 stars; one submission).

gnomAD v4.1: 10 of 1,614,078 alleles (0.00062%); highest among the groups gnomAD compares: South Asian, 0.0011%; no homozygotes.

Submission:

Labcorp Genetics (formerly Invitae), Labcorp
Classification: Uncertain significance. Last evaluated: 2024-02-03. Review status: criteria provided, single submitter. Criteria: Invitae Variant Classification Sherloc (09022015). Collection method: clinical testing. Allele origin: germline.
Comment: This sequence change replaces histidine, which is basic and polar, with arginine, which is basic and polar, at codon 382 of the NRIP1 protein (p.His382Arg). This variant is present in population databases (no rsID available, gnomAD 0.01%). This variant has not been reported in the literature in individuals affected with NRIP1-related conditions. An algorithm developed to predict the effect of missense changes on protein structure and function (PolyPhen-2) suggests that this variant is likely to be disruptive. In summary, the available evidence is currently insufficient to determine the role of this variant in disease. Therefore, it has been classified as a Variant of Uncertain Significance.